The following is an entry in ClinVar:

ClinVar aggregate classification (germline): Likely benign (1 of 4 stars; one submission).

Conditions:
PLXNA2-related disorder. Also called: PLXNA2-related condition.

gnomAD v4.1: 20 of 1,613,922 alleles (0.0012%); highest among the groups gnomAD compares: East Asian, 0.0067%; no homozygotes.

Submission:

PreventionGenetics, part of Exact Sciences
Classification: Likely benign for PLXNA2-related condition. Last evaluated: 2026-09-22. Review status: criteria provided, single submitter. Criteria: ACMG Guidelines, 2015. Collection method: clinical testing. Allele origin: germline.
Comment: This variant is classified as likely benign based on ACMG/AMP sequence variant interpretation guidelines (Richards et al. 2015 PMID: 25741868, with internal and published modifications).

NM_025179.4(PLXNA2):c.3729G>A (p.Ala1243=)

Gene: PLXNA2 (plexin A2; minus strand). Cytogenetic location: 1q32.2.
Variant type: single nucleotide variant.
Coding change: c.3729G>A on transcript NM_025179.4 (MANE Select); coding-DNA position 3729, G replaced by A.
Protein change: p.Ala1243=; no amino-acid change (alanine 1243 retained).
Molecular consequence: synonymous variant.
Genome position (GRCh38, 1-based): chr1:208,044,653, C>T on the plus strand (G>A on the coding strand, the complement: PLXNA2 is on the minus strand). VCF-style: chr1-208044653-C-T. GRCh37 (hg19) VCF-style: chr1-208217998-C-T.
Identifiers: ClinVar variation 4987065 (VCV004987065.1).
Genomic context (GRCh38, chr1:208,044,653, plus strand): 5'-CTTGCGCTTGTAGGCAATGAGGACGATGATGACGATGATGAGGAGGAGGCTGCCGCCGGC[C>T]GCGATGCTGACGATGGCTGGCAGGGTCAGCAAGCTGTCTGAGATGACACTCACCGAGCCA-3'
Protein context (NP_079455.3, residues 1233-1253): LLTLPAIVSI[Ala1243=]AGGSLLLIIV